The following is an entry in ClinVar:

ClinVar aggregate classification (germline): Likely pathogenic (1 of 4 stars; one submission).

Allele frequency attached by ClinVar (database versions not stated): gnomAD exomes 0.00001.
gnomAD v4.1: 14 of 1,608,948 alleles (0.00087%); highest among the groups gnomAD compares: Non-Finnish European, 0.0012%; no homozygotes.

Submission:

Labcorp Genetics (formerly Invitae), Labcorp
Classification: Likely pathogenic. Last evaluated: 2024-03-06. Review status: criteria provided, single submitter. Criteria: Invitae Variant Classification Sherloc (09022015). Collection method: clinical testing. Allele origin: germline.
Comment: This sequence change affects a donor splice site in intron 15 of the HPS3 gene. It is expected to disrupt RNA splicing. Variants that disrupt the donor or acceptor splice site typically lead to a loss of protein function (PMID: 16199547), and loss-of-function variants in HPS3 are known to be pathogenic (PMID: 11590544). This variant is not present in population databases (gnomAD no frequency). This variant has not been reported in the literature in individuals affected with HPS3-related conditions. ClinVar contains an entry for this variant (Variation ID: 1515794). Algorithms developed to predict the effect of sequence changes on RNA splicing suggest that this variant may disrupt the consensus splice site. In summary, the currently available evidence indicates that the variant is pathogenic, but additional data are needed to prove that conclusively. Therefore, this variant has been classified as Likely Pathogenic.

Literature cited by the submitters: PubMed 16199547; PubMed 11590544.

NM_032383.5(HPS3):c.2796+2T>A

Genes: CP (ceruloplasmin; minus strand), HPS3 (HPS3 biogenesis of lysosomal organelles complex 2 subunit 1; plus strand). Cytogenetic location: 3q24.
Variant type: single nucleotide variant.
Coding change: c.2796+2T>A on transcript NM_032383.5 (MANE Select); the canonical splice donor site of the intron after coding-DNA position 2796, T replaced by A.
Molecular consequence: splice donor variant.
Genome position (GRCh38, 1-based): chr3:149,167,242, T>A. VCF-style: chr3-149167242-T-A. GRCh37 (hg19) VCF-style: chr3-148885029-T-A.
Other names: c.2301+2T>A (NM_001308258.2).
Identifiers: ClinVar variation 1515794 (VCV001515794.8), dbSNP rs1476066527, ClinGen allele CA354926138.
Genomic context (GRCh38, chr3:149,167,242, plus strand): 5'-AGAGATGCCCGGAGGCAGTCATTCCATATGCTAATCATGAACTGAAAGAAGAGAACCGGG[T>A]ATGCTTTTTCAGATTATGTTTTTAGGCTTGATCAGTGATAATCAGATCTGATAACCTCAT-3'